The following is an entry in ClinVar:

NM_005101.4(ISG15):c.446T>C (p.Phe149Ser)

Gene: ISG15 (ISG15 ubiquitin like modifier; plus strand). Cytogenetic location: 1p36.33.
Variant type: single nucleotide variant.
Coding change: c.446T>C on transcript NM_005101.4 (MANE Select); coding-DNA position 446, T replaced by C.
Protein change: p.Phe149Ser; replaces phenylalanine 149 with serine.
Molecular consequence: missense variant.
Genome position (GRCh38, 1-based): chr1:1,014,426, T>C. VCF-style: chr1-1014426-T-C. GRCh37 (hg19) VCF-style: chr1-949806-T-C.
Other names: short protein forms F149S.
Identifiers: ClinVar variation 941178 (VCV000941178.8), dbSNP rs201720630, ClinGen allele CA507715.

ClinVar aggregate classification (germline): Uncertain significance. Review status: criteria provided, multiple submitters, no conflicts (2 of 4 stars). 2 submissions from 2 submitters: Uncertain significance (2). Last evaluated 2024-11-10.

Conditions:
Mendelian susceptibility to mycobacterial diseases due to complete ISG15 deficiency. Also called: IMMUNODEFICIENCY 38, MYCOBACTERIOSIS, AUTOSOMAL RECESSIVE; ISG15 DEFICIENCY, AUTOSOMAL RECESSIVE; Immunodeficiency 38 with basal ganglia calcification; Immunodeficiency 38. Identifiers: Orphanet 319563, MedGen C4015293, MONDO:0014502, OMIM 616126.

Allele frequency attached by ClinVar (database versions not stated): gnomAD exomes 0.00002 and 0.00005; ExAC 0.00003; gnomAD 0.00003; TOPMed 0.00003; ESP Exome Variant Server 0.00008.

Submissions (2):

Ambry Genetics
Classification: Uncertain significance. Last evaluated: 2024-11-10. Review status: criteria provided, single submitter. Criteria: Ambry Variant Classification Scheme 2023. Collection method: clinical testing. Allele origin: germline.

Labcorp Genetics (formerly Invitae), Labcorp
Classification: Uncertain significance for Mendelian susceptibility to mycobacterial diseases due to complete ISG15 deficiency. Last evaluated: 2023-11-17. Review status: criteria provided, single submitter. Criteria: Invitae Variant Classification Sherloc (09022015). Collection method: clinical testing. Allele origin: germline.
Comment: This sequence change replaces phenylalanine, which is neutral and non-polar, with serine, which is neutral and polar, at codon 149 of the ISG15 protein (p.Phe149Ser). This variant is present in population databases (rs201720630, gnomAD 0.005%). This variant has not been reported in the literature in individuals affected with ISG15-related conditions. ClinVar contains an entry for this variant (Variation ID: 941178). An algorithm developed to predict the effect of missense changes on protein structure and function (PolyPhen-2) suggests that this variant¬†is likely to be tolerated. In summary, the available evidence is currently insufficient to determine the role of this variant in disease. Therefore, it has been classified as a Variant of Uncertain Significance.